The following is an entry in ClinVar:

ClinVar aggregate classification (germline): Uncertain significance (1 of 4 stars; one submission).

Submission:

Labcorp Genetics (formerly Invitae), Labcorp
Classification: Uncertain significance. Last evaluated: 2022-02-20. Review status: criteria provided, single submitter. Criteria: Invitae Variant Classification Sherloc (09022015). Collection method: clinical testing. Allele origin: germline.
Comment: Algorithms developed to predict the effect of missense changes on protein structure and function are either unavailable or do not agree on the potential impact of this missense change (SIFT: "Not Available"; PolyPhen-2: "Benign"; Align-GVGD: "Not Available"). This variant has not been reported in the literature in individuals affected with ANK3-related conditions. This variant is not present in population databases (gnomAD no frequency). This sequence change replaces valine, which is neutral and non-polar, with alanine, which is neutral and non-polar, at codon 3675 of the ANK3 protein (p.Val3675Ala). In summary, the available evidence is currently insufficient to determine the role of this variant in disease. Therefore, it has been classified as a Variant of Uncertain Significance.

NM_020987.5(ANK3):c.11024T>C (p.Val3675Ala)

Gene: ANK3 (ankyrin 3; minus strand). Cytogenetic location: 10q21.2.
Variant type: single nucleotide variant.
Coding change: c.11024T>C on transcript NM_020987.5 (MANE Select); coding-DNA position 11024, T replaced by C.
Protein change: p.Val3675Ala; replaces valine 3675 with alanine.
Molecular consequence: missense variant. On other transcripts: intron variant (4).
Genome position (GRCh38, 1-based): chr10:60,069,857, A>G on the plus strand (T>C on the coding strand, the complement: ANK3 is on the minus strand). VCF-style: chr10-60069857-A-G. GRCh37 (hg19) VCF-style: chr10-61829615-A-G.
Other names: c.4388-1848T>C (NM_001204403.2); c.4409-1848T>C (NM_001204404.2); c.4406-1848T>C (NM_001320874.2); c.1808-1848T>C (NM_001149.4); short protein forms V3675A.
Identifiers: ClinVar variation 2099801 (VCV002099801.4), dbSNP rs2492520242, ClinGen allele CA376997861.